The following is an entry in ClinVar:

NM_001378687.1(ATP2C1):c.782G>A (p.Ser261Asn)

Gene: ATP2C1 (ATPase secretory pathway Ca2+ transporting 1; plus strand). Cytogenetic location: 3q22.1.
Variant type: single nucleotide variant.
Coding change: c.782G>A on transcript NM_001378687.1 (MANE Select); coding-DNA position 782, G replaced by A.
Protein change: p.Ser261Asn; replaces serine 261 with asparagine.
Molecular consequence: missense variant.
Genome position (GRCh38, 1-based): chr3:130,956,129, G>A. VCF-style: chr3-130956129-G-A. GRCh37 (hg19) VCF-style: chr3-130674973-G-A.
Other names: c.782G>A, p.Ser261Asn (NM_001001485.3, NM_001001486.2, NM_001001487.2 and 5 more transcripts); c.884G>A, p.Ser295Asn (NM_001199180.2, NM_001199181.3, NM_001378511.1); c.767G>A, p.Ser256Asn (NM_001199182.2); c.734G>A, p.Ser245Asn (NM_001199183.2, NM_001199184.3, NM_001378514.1); short protein forms S261N, S256N, S245N, S295N.
Identifiers: ClinVar variation 343324 (VCV000343324.5), dbSNP rs200665127, ClinGen allele CA2614925.
Genomic context (GRCh38, chr3:130,956,129, plus strand): 5'-CTAATTGTGGTGACACTCTTCTTCAATTTATCAAGGCACCAAAAACCCCTCTGCAGAAGA[G>A]CATGGACCTCTTAGGAAAACAACTTTCCTTTTACTCCTTTGGTATAATAGGTAAGAGAAG-3'
Protein context (NP_001365616.1, residues 251-271): EEAPKTPLQK[Ser261Asn]MDLLGKQLSF

ClinVar aggregate classification (germline): Benign (1 of 4 stars; one submission).

Conditions:
Familial benign pemphigus (HHD). Identifiers: Orphanet 2841, MedGen C0085106, MONDO:0008218, OMIM 169600.

Allele frequency attached by ClinVar (database versions not stated): gnomAD exomes 0.00004 and 0.00011; gnomAD 0.00005 and 0.00006; TOPMed 0.00008; ExAC 0.00012; ESP Exome Variant Server 0.00015.
gnomAD v4.1: 73 of 1,610,754 alleles (0.0045%); highest among the groups gnomAD compares: African/African-American, 0.0013%; no homozygotes.

Submission:

Illumina Laboratory Services, Illumina
Classification: Benign for Familial benign pemphigus. Last evaluated: 2018-01-13. Review status: criteria provided, single submitter. Criteria: ICSL Variant Classification Criteria 13 December 2019. Collection method: clinical testing. Allele origin: germline.
Comment: This variant was observed in the ICSL laboratory as part of a predisposition screen in an ostensibly healthy population. It had not been previously curated by ICSL or reported in the Human Gene Mutation Database (HGMD: prior to June 1st, 2018), and was therefore a candidate for classification through an automated scoring system. Utilizing variant allele frequency, disease prevalence and penetrance estimates, and inheritance mode, an automated score was calculated to assess if this variant is too frequent to cause the disease. Based on the score and internal cut-off values, a variant classified as benign is not then subjected to further curation. The score for this variant resulted in a classification of benign for this disease.